The following is an entry in ClinVar:

ClinVar aggregate classification (germline): Conflicting classifications of pathogenicity. Review status: criteria provided, conflicting classifications (1 of 4 stars). 2 submissions from 2 submitters: Uncertain significance (1); Likely benign (1). Last evaluated 2026-08-01.

Allele frequency attached by ClinVar (database versions not stated): TOPMed 0.00003; gnomAD 0.00004 and 0.00010; gnomAD exomes 0.00014 and 0.00028; ExAC 0.00038; 1000 Genomes Project 30x 0.00078; 1000 Genomes Project 0.00100.
gnomAD v4.1: 233 of 1,613,680 alleles (0.014%); highest among the groups gnomAD compares: South Asian, 0.12%; 5 homozygotes.

Submissions (2):

CeGaT Center for Human Genetics Tuebingen
Classification: Likely benign. Last evaluated: 2026-08-01. Review status: criteria provided, single submitter. Criteria: CeGaT Center For Human Genetics Tuebingen Variant Classification Criteria Version 2. Collection method: clinical testing. Allele origin: germline. Affected: yes. Observed: 3 variant alleles.
Comment: C5: BP4, BS2

Labcorp Genetics (formerly Invitae), Labcorp
Classification: Uncertain significance. Last evaluated: 2022-10-10. Review status: criteria provided, single submitter. Criteria: Invitae Variant Classification Sherloc (09022015). Collection method: clinical testing. Allele origin: germline.
Comment: This sequence change replaces alanine, which is neutral and non-polar, with threonine, which is neutral and polar, at codon 1155 of the C5 protein (p.Ala1155Thr). This variant is present in population databases (rs200624729, gnomAD 0.1%). This variant has not been reported in the literature in individuals affected with C5-related conditions. ClinVar contains an entry for this variant (Variation ID: 1448134). Advanced modeling of protein sequence and biophysical properties (such as structural, functional, and spatial information, amino acid conservation, physicochemical variation, residue mobility, and thermodynamic stability) performed at Invitae indicates that this missense variant is expected to disrupt C5 protein function. In summary, the available evidence is currently insufficient to determine the role of this variant in disease. Therefore, it has been classified as a Variant of Uncertain Significance.

NM_001735.3(C5):c.3463G>A (p.Ala1155Thr)

Gene: C5 (complement C5; minus strand). Cytogenetic location: 9q33.2.
Variant type: single nucleotide variant.
Coding change: c.3463G>A on transcript NM_001735.3 (MANE Select); coding-DNA position 3463, G replaced by A.
Protein change: p.Ala1155Thr; replaces alanine 1155 with threonine.
Molecular consequence: missense variant.
Genome position (GRCh38, 1-based): chr9:120,981,867, C>T on the plus strand (G>A on the coding strand, the complement: C5 is on the minus strand). VCF-style: chr9-120981867-C-T. GRCh37 (hg19) VCF-style: chr9-123744145-C-T.
Other names: c.3481G>A, p.Ala1161Thr (NM_001317163.2); short protein forms A1155T, A1161T.
Identifiers: ClinVar variation 1448134 (VCV001448134.18), dbSNP rs200624729, ClinGen allele CA5217474.